The following is an entry in ClinVar:

NM_003640.5(ELP1):c.-59_-56+15del

Gene: ELP1 (elongator acetyltransferase complex subunit 1; minus strand). Cytogenetic location: 9q31.3.
Variant type: Deletion.
Coding change: c.-59_-56+15del on transcript NM_003640.5 (MANE Select); 59 bases upstream of the start codon through 15 bases into the intron after 56 bases upstream of the start codon, 19 bases deleted (TCAGGTAAGCGATCCATCC).
Molecular consequence: splice donor variant.
Genome position (GRCh38, 1-based): chr9:108,933,849-108,933,867, GGATGGATCGCTTACCTGA deleted on the plus strand (TCAGGTAAGCGATCCATCC on the coding strand, the reverse complement: ELP1 is on the minus strand); deleting any 19 consecutive bases within chr9:108,933,849-108,933,870 gives the same sequence; the c. name uses the placement nearest the transcript's 3' end. VCF-style (leftmost placement, unchanged base first): chr9-108933848-TGGATGGATCGCTTACCTGA-T. GRCh37 (hg19) VCF-style: chr9-111696128-TGGATGGATCGCTTACCTGA-T.
Other names: c.-59_-56+15del (LRG_251t1); c.-256_-253+15del (NM_001318360.2); c.-918_-915+15del (NM_001330749.2).
Identifiers: ClinVar variation 503903 (VCV000503903.3), dbSNP rs993537831, ClinGen allele CA197535559.

ClinVar aggregate classification (germline): Uncertain significance. Review status: criteria provided, single submitter (1 of 4 stars). 2 submissions from 2 submitters: Uncertain significance (1). 1 of the submissions does not count toward it. Last evaluated 2017-12-19.

Conditions:
Familial dysautonomia. Also called: FD; HSAN III. Identifiers: Orphanet 1764, MedGen C0013364, MONDO:0009131, OMIM 223900. Disease mechanism: loss of function.

Submissions (2):

GeneDx
Classification: Uncertain significance. Last evaluated: 2017-12-19. Review status: criteria provided, single submitter. Criteria: GeneDx Variant Classification (06012015). Collection method: clinical testing. Allele origin: germline. Affected: yes.
Comment: A variant of uncertain significance has been identified in the IKBKAP gene. The c.-59_-56+15del19variant has not been published as a pathogenic variant, nor has it been reported as a benign variant to our knowledge. This variant is not observed at a significant frequency in large population cohorts (Lek et al., 2016). The c.-59_-56+15del19 variant does not alter the Kozak sequence, but is expected to lose a natural splice donor site for the non-coding exon 1 in the 5' UTR. However, in the absence of RNA/functional studies, the actual effect of the c.-59_-56+15del19 variant in this individual is uncertain. Additionally, no regulatory variants have been reported in the IKBKAP gene in association with IKBKAP-related disorders (Stenson et al., 2014). Therefore, based on the currently available information, it is unclear whether this variant is a pathogenic variant or a rare benign variant.

Counsyl
Classification: Uncertain significance for Familial dysautonomia. Last evaluated: 2017-10-24. Review status: no assertion criteria provided. Collection method: clinical testing. Allele origin: unknown. Not counted in ClinVar's aggregate classification.